The following is an entry in ClinVar:

NM_005343.4(HRAS):c.295C>T (p.Gln99Ter)

Genes: HRAS (HRas proto-oncogene, GTPase; minus strand), LRRC56 (leucine rich repeat containing 56; plus strand). Cytogenetic location: 11p15.5.
Variant type: single nucleotide variant.
Coding change: c.295C>T on transcript NM_005343.4 (MANE Select); coding-DNA position 295, C replaced by T.
Protein change: p.Gln99Ter; replaces glutamine 99 with a stop codon.
Molecular consequence: nonsense. On other transcripts: 5 prime UTR variant (1).
Genome position (GRCh38, 1-based): chr11:533,608, G>A on the plus strand (C>T on the coding strand, the complement: HRAS is on the minus strand). VCF-style: chr11-533608-G-A. GRCh37 (hg19) VCF-style: chr11-533608-G-A.
Other names: c.295C>T, p.Gln99Ter (NM_001130442.3, NM_176795.5); c.-25C>T (NM_001318054.2); short protein forms Q99*.
Identifiers: ClinVar variation 2875840 (VCV002875840.3), dbSNP rs1851251123, ClinGen allele CA378924035.

ClinVar aggregate classification (germline): Uncertain significance (1 of 4 stars; one submission).

Conditions:
Costello syndrome (CSTLO). Also called: FACIOCUTANEOSKELETAL SYNDROME; FCS SYNDROME; HRAS-Related Costello Syndrome. Identifiers: Orphanet 3071, MedGen C0587248, MONDO:0009026, OMIM 218040.

Submission:

Labcorp Genetics (formerly Invitae), Labcorp
Classification: Uncertain significance for Costello syndrome. Last evaluated: 2023-05-19. Review status: criteria provided, single submitter. Criteria: Invitae Variant Classification Sherloc (09022015). Collection method: clinical testing. Allele origin: germline.
Comment: This sequence change creates a premature translational stop signal (p.Gln99*) in the HRAS gene. It is expected to result in an absent or disrupted protein product. However, the current clinical and genetic evidence is not sufficient to establish whether loss-of-function variants in HRAS cause disease. This variant is not present in population databases (gnomAD no frequency). This variant has not been reported in the literature in individuals affected with HRAS-related conditions. In summary, the available evidence is currently insufficient to determine the role of this variant in disease. Therefore, it has been classified as a Variant of Uncertain Significance.